The following is an entry in ClinVar:

ClinVar aggregate classification (germline): Uncertain significance. Review status: criteria provided, multiple submitters, no conflicts (2 of 4 stars). 2 submissions from 2 submitters: Uncertain significance (2). Last evaluated 2024-02-12.

Conditions:
Polycystic kidney disease 2 (PKD2). Also called: Polycystic Kidney Disease 2, Autosomal Dominant; POLYCYSTIC KIDNEY DISEASE, ADULT, TYPE II; POLYCYSTIC KIDNEY DISEASE 2 WITH OR WITHOUT POLYCYSTIC LIVER DISEASE. Identifiers: MedGen C2751306, MONDO:0013131, OMIM 613095.
Autosomal dominant polycystic kidney disease. Identifiers: Orphanet 730, MedGen C0085413, MONDO:0004691.

Submissions (2):

Fulgent Genetics
Classification: Uncertain significance for Polycystic kidney disease 2. Last evaluated: 2024-02-12. Review status: criteria provided, single submitter. Criteria: ACMG Guidelines, 2015. Collection method: clinical testing. Allele origin: germline.

Labcorp Genetics (formerly Invitae), Labcorp
Classification: Uncertain significance for Autosomal dominant polycystic kidney disease. Last evaluated: 2022-08-08. Review status: criteria provided, single submitter. Criteria: Invitae Variant Classification Sherloc (09022015). Collection method: clinical testing. Allele origin: germline.
Comment: This sequence change replaces glycine, which is neutral and non-polar, with aspartic acid, which is acidic and polar, at codon 449 of the PKD2 protein (p.Gly449Asp). This variant is not present in population databases (gnomAD no frequency). This variant has not been reported in the literature in individuals affected with PKD2-related conditions. ClinVar contains an entry for this variant (Variation ID: 1489300). Algorithms developed to predict the effect of missense changes on protein structure and function are either unavailable or do not agree on the potential impact of this missense change (SIFT: "Deleterious"; PolyPhen-2: "Probably Damaging"; Align-GVGD: "Class C0"). In summary, the available evidence is currently insufficient to determine the role of this variant in disease. Therefore, it has been classified as a Variant of Uncertain Significance.

NM_000297.4(PKD2):c.1346G>A (p.Gly449Asp)

Gene: PKD2 (polycystin 2, transient receptor potential cation channel; plus strand). Cytogenetic location: 4q22.1.
Variant type: single nucleotide variant.
Coding change: c.1346G>A on transcript NM_000297.4 (MANE Select); coding-DNA position 1346, G replaced by A.
Protein change: p.Gly449Asp; replaces glycine 449 with aspartic acid.
Molecular consequence: missense variant. On other transcripts: non-coding transcript variant (1).
Genome position (GRCh38, 1-based): chr4:88,046,668, G>A. VCF-style: chr4-88046668-G-A. GRCh37 (hg19) VCF-style: chr4-88967820-G-A.
Other names: short protein forms G449D.
Identifiers: ClinVar variation 1489300 (VCV001489300.9), dbSNP rs1131408, ClinGen allele CA357618512.